The following is an entry in ClinVar:

ClinVar aggregate classification (germline): Pathogenic. Review status: criteria provided, multiple submitters, no conflicts (2 of 4 stars). 4 submissions from 4 submitters: Pathogenic (4). Last evaluated 2026-07-20.

Conditions:
ABCC6-related disorder. Also called: ABCC6-related condition.
Arterial calcification, generalized, of infancy, 2. Identifiers: Orphanet 51608, MedGen C3276161, MONDO:0013768, OMIM 614473.
Autosomal recessive inherited pseudoxanthoma elasticum (PXE). Identifiers: Orphanet 758, MedGen CN032334, MONDO:0009925, OMIM 264800.
Pseudoxanthoma elasticum, forme fruste. Also called: Pseudoxanthoma Elasticum, Incomplete; PSEUDOXANTHOMA ELASTICUM, HETEROZYGOUS. Identifiers: Orphanet 758, MedGen C1867450, MONDO:0008333, OMIM 177850.

Submissions (4):

PreventionGenetics, part of Exact Sciences
Classification: Pathogenic for ABCC6-related condition. Last evaluated: 2026-07-20. Review status: criteria provided, single submitter. Criteria: ACMG Guidelines, 2015. Collection method: clinical testing. Allele origin: germline.
Comment: The ABCC6 c.196dupT variant is predicted to result in a frameshift and premature protein termination (p.Ser66Phefs*35). This variant has been reported in individuals with pseudoxanthoma elasticum (Jin et al. 2015. PubMed ID: 25615550; Table S1, Boraldi et al. 2021. PubMed ID: 34205333). This variant has not been reported in a large population database, indicating this variant is rare. Frameshift variants in ABCC6 are expected to be pathogenic. This variant is interpreted as pathogenic.

Fulgent Genetics
Classification: Pathogenic for Pseudoxanthoma elasticum, forme fruste; Autosomal recessive inherited pseudoxanthoma elasticum; Arterial calcification, generalized, of infancy, 2. Last evaluated: 2024-04-23. Review status: criteria provided, single submitter. Criteria: ACMG Guidelines, 2015. Collection method: clinical testing. Allele origin: germline.

GeneDx
Classification: Pathogenic. Last evaluated: 2023-11-06. Review status: criteria provided, single submitter. Criteria: GeneDx Variant Classification Process June 2021. Collection method: clinical testing. Allele origin: germline. Affected: yes.
Comment: Frameshift variant predicted to result in protein truncation or nonsense mediated decay in a gene for which loss of function is a known mechanism of disease; Not observed at significant frequency in large population cohorts (gnomAD); This variant is associated with the following publications: (PMID: 34205333, 35387434, 25615550)

Pittsburgh Clinical Genomics Laboratory, University of Pittsburgh Medical Center
Classification: Pathogenic for Pseudoxanthoma elasticum, forme fruste. Last evaluated: 2022-03-14. Review status: criteria provided, single submitter. Criteria: ACMG Guidelines, 2015. Collection method: clinical testing. Allele origin: germline. Inheritance: Autosomal recessive inheritance. Affected: yes.
Comment: This sequence variant is a single nucleotide duplication (dupT) that creates a premature termition codon in exon 2 of 31 of the ABCC6 gene 35 codons downstream of a frameshift introduced at codon 66. This variant is expected to generate a non-functiol allele through the expression of a truncated protein or a loss of ABCC6 expression due to nonsense mediated decay. This is a previously reported variant (ClinVar) that has been observed in several compound heterozygous individuals affected by pseudoxanthoma elasticum (PMID: 34205333, 32270475, 25615550). This variant is absent from control population datasets (gnomAD database, 0 of approximately 250,000 alleles). To our knowledge, the impact of this variant on ABCC6 expression or function has not been examined in the published literature. However, loss of function variants are known to be a common mechanism of disease for ABCC6 (PMID: 17617515). Based on this evidence, we consider this a pathogenic variant. ACMG Criteria: PM2, PM3, PVS1

Literature cited by the submitters: PubMed 25615550 (cited by Pittsburgh Clinical Genomics Laboratory, University of Pittsburgh Medical Center); PubMed 32270475 (cited by Pittsburgh Clinical Genomics Laboratory, University of Pittsburgh Medical Center); PubMed 34205333 (cited by Pittsburgh Clinical Genomics Laboratory, University of Pittsburgh Medical Center); PubMed 17617515 (cited by Pittsburgh Clinical Genomics Laboratory, University of Pittsburgh Medical Center).

NM_001171.6(ABCC6):c.196dup (p.Ser66fs)

Gene: ABCC6 (ATP binding cassette subfamily C member 6; minus strand). Cytogenetic location: 16p13.11.
Variant type: Duplication.
Coding change: c.196dup on transcript NM_001171.6 (MANE Select); coding-DNA position 196, one base duplicated (T; older notation c.196dupT).
Protein change: p.Ser66fs; shifts the reading frame from serine 66.
Molecular consequence: frameshift variant. On other transcripts: 5 prime UTR variant (1), non-coding transcript variant (1).
Genome position (GRCh38, 1-based): chr16:16,221,672, A duplicated on the plus strand (T on the coding strand, the reverse complement: ABCC6 is on the minus strand). VCF-style (leftmost placement, unchanged base first): chr16-16221671-G-GA. GRCh37 (hg19) VCF-style: chr16-16315528-G-GA.
Other names: c.196dupT (NM_001171.5); c.196dup, p.Ser66fs (NM_001079528.4); c.-178dup (NM_001351800.1); c.196dup (NM_001171.5); short protein forms S66fs.
Identifiers: ClinVar variation 418938 (VCV000418938.8), dbSNP rs1064793538, ClinGen allele CA16620078.